The following is an entry in ClinVar:

ClinVar aggregate classification (germline): Pathogenic (1 of 4 stars; one submission).

Conditions:
Hereditary cancer-predisposing syndrome. Also called: Tumor predisposition; Hereditary Cancer Syndrome; Neoplastic Syndromes, Hereditary; Hereditary neoplastic syndrome. Identifiers: Orphanet 140162, MedGen C0027672, MeSH D009386, MONDO:0015356.

Submission:

Ambry Genetics
Classification: Pathogenic for Hereditary cancer-predisposing syndrome. Last evaluated: 2019-09-18. Review status: criteria provided, single submitter. Criteria: Ambry Variant Classification Scheme 2023. Collection method: clinical testing. Allele origin: germline.
Comment: The c.2539delA variant, located in coding exon 9 of the BRCA1 gene, results from a deletion of one nucleotide at nucleotide position 2539, causing a translational frameshift with a predicted alternate stop codon (p.M847Wfs*46). This alteration is expected to result in loss of function by premature protein truncation or nonsense-mediated mRNA decay. As such, this alteration is interpreted as a disease-causing mutation.

NM_007294.4(BRCA1):c.2539del (p.Met847fs)

Gene: BRCA1 (BRCA1 DNA repair associated; minus strand). Cytogenetic location: 17q21.31.
Variant type: Deletion.
Coding change: c.2539del on transcript NM_007294.4 (MANE Select); coding-DNA position 2539, one base deleted (A; older notation c.2539delA).
Protein change: p.Met847fs; shifts the reading frame from methionine 847.
Molecular consequence: frameshift variant. On other transcripts: intron variant (137).
Genome position (GRCh38, 1-based): chr17:43,092,992, T deleted on the plus strand (A on the coding strand, the reverse complement: BRCA1 is on the minus strand); the first of 3 consecutive T bases (chr17:43,092,992-43,092,994); deleting any one gives the same sequence. VCF-style (leftmost placement, unchanged base first): chr17-43092991-AT-A. GRCh37 (hg19) VCF-style: chr17-41245008-AT-A.
Other names: c.2335del, p.Met779fs (NM_001407875.1, NM_001407874.1); c.2329del, p.Met777fs (NM_001407881.1, NM_001407879.1, NM_001407882.1 and 13 more transcripts); c.2539delA (NM_007294.3); c.2326del, p.Met776fs (NM_001407571.1, NM_001407853.1, NM_001407894.1 and 9 more transcripts); c.2539del, p.Met847fs (NM_001407581.1, NM_001407582.1, NM_001407583.1 and 30 more transcripts); c.2536del, p.Met846fs (NM_001407587.1, NM_001407590.1, NM_001407591.1 and 22 more transcripts); c.2530del, p.Met844fs (NM_001407646.1, NM_001407647.1); c.2416del, p.Met806fs (NM_001407648.1, NM_001407664.1, NM_001407665.1 and 19 more transcripts); and 42 more; short protein forms M800fs, M847fs, M551fs, M679fs, M719fs, M758fs, M759fs, M780fs.
Identifiers: ClinVar variation 1792790 (VCV001792790.2), dbSNP rs2552187485, ClinGen allele CA2580094021.